The following is an entry in ClinVar:

ClinVar aggregate classification (germline): Uncertain significance (1 of 4 stars; one submission).

Submission:

Greenwood Genetic Center Diagnostic Laboratories, Greenwood Genetic Center
Classification: Uncertain significance. Last evaluated: 2025-02-24. Review status: criteria provided, single submitter. Criteria: ACMG Guidelines, 2015. Collection method: clinical testing. Allele origin: germline.
Comment: Gene of Uncertain Significance

NM_003292.3(TPR):c.5140A>G (p.Thr1714Ala)

Gene: TPR (translocated promoter region, nuclear basket protein; minus strand). Cytogenetic location: 1q31.1.
Variant type: single nucleotide variant.
Coding change: c.5140A>G on transcript NM_003292.3 (MANE Select); coding-DNA position 5140, A replaced by G.
Protein change: p.Thr1714Ala; replaces threonine 1714 with alanine.
Molecular consequence: missense variant.
Genome position (GRCh38, 1-based): chr1:186,334,367, T>C on the plus strand (A>G on the coding strand, the complement: TPR is on the minus strand). VCF-style: chr1-186334367-T-C. GRCh37 (hg19) VCF-style: chr1-186303499-T-C.
Other names: short protein forms T1714A.
Identifiers: ClinVar variation 4850820 (VCV004850820.1).